The following is an entry in ClinVar:

NM_007192.4(SUPT16H):c.973G>A (p.Val325Met)

Gene: SUPT16H (SPT16 homolog, facilitates chromatin remodeling subunit; minus strand). Cytogenetic location: 14q11.2.
Variant type: single nucleotide variant.
Coding change: c.973G>A on transcript NM_007192.4 (MANE Select); coding-DNA position 973, G replaced by A.
Protein change: p.Val325Met; replaces valine 325 with methionine.
Molecular consequence: missense variant.
Genome position (GRCh38, 1-based): chr14:21,366,512, C>T on the plus strand (G>A on the coding strand, the complement: SUPT16H is on the minus strand). VCF-style: chr14-21366512-C-T. GRCh37 (hg19) VCF-style: chr14-21834671-C-T.
Other names: short protein forms V325M.
Identifiers: ClinVar variation 2436523 (VCV002436523.5), dbSNP rs201123027, ClinGen allele CA7090223.
Genomic context (GRCh38, chr14:21,366,512, plus strand): 5'-TAATTTTGTTCAGCAGTTCTGGCTTCTGCTTTTTAACCACGTCCATGACAGCGTTATACA[C>T]GTCACATATCTTCACACCTAATAACAAGACACAAAGGAGATATTAAAGTATCTTTTAGGA-3'
Protein context (NP_009123.1, residues 315-335): ELRHGVKICD[Val325Met]YNAVMDVVKK

ClinVar aggregate classification (germline): Uncertain significance. Review status: criteria provided, multiple submitters, no conflicts (2 of 4 stars). 2 submissions from 2 submitters: Uncertain significance (2). Last evaluated 2025-09-30.

Conditions:
Neurodevelopmental disorder with dysmorphic facies and thin corpus callosum. Identifiers: MedGen C5551361, MONDO:0859179, OMIM 619480.

Submissions (2):

Dasa
Classification: Uncertain significance for Neurodevelopmental disorder with dysmorphic facies and thin corpus callosum. Last evaluated: 2025-09-30. Review status: criteria provided, single submitter. Criteria: DASA Assertion Criteria. Collection method: clinical testing. Allele origin: germline.
Comment: NM_007192.4(SUPT16H):c.973G>A (p.Val325Met) is a missense variant that results in the substitution of valine with methionine. This variant is rare in population databases. Computational prediction algorithms are consistent with a deleterious effect. The currently available literature and clinical evidence are not sufficient to establish a definitive association between this variant and the reported condition. Therefore, this variant is classified as a variant of uncertain significance.

Revvity Omics, Revvity
Classification: Uncertain significance for Neurodevelopmental disorder with dysmorphic facies and thin corpus callosum. Last evaluated: 2022-05-18. Review status: criteria provided, single submitter. Criteria: ACMG Guidelines, 2015. Collection method: clinical testing. Allele origin: germline.